The following is an entry in ClinVar:

ClinVar aggregate classification (germline): Uncertain significance (1 of 4 stars; one submission).

Allele frequency attached by ClinVar (database versions not stated): TOPMed 0.00007; ExAC 0.00009.

Submission:

Labcorp Genetics (formerly Invitae), Labcorp
Classification: Uncertain significance. Last evaluated: 2023-09-07. Review status: criteria provided, single submitter. Criteria: Invitae Variant Classification Sherloc (09022015). Collection method: clinical testing. Allele origin: germline.
Comment: This sequence change replaces glycine, which is neutral and non-polar, with glutamic acid, which is acidic and polar, at codon 315 of the CARMIL2 protein (p.Gly315Glu). This variant is present in population databases (rs746620186, gnomAD 0.09%). This variant has not been reported in the literature in individuals affected with CARMIL2-related conditions. ClinVar contains an entry for this variant (Variation ID: 2157962). Advanced modeling of protein sequence and biophysical properties (such as structural, functional, and spatial information, amino acid conservation, physicochemical variation, residue mobility, and thermodynamic stability) performed at Invitae indicates that this missense variant is not expected to disrupt CARMIL2 protein function. In summary, the available evidence is currently insufficient to determine the role of this variant in disease. Therefore, it has been classified as a Variant of Uncertain Significance.

NM_001013838.3(CARMIL2):c.944G>A (p.Gly315Glu)

Gene: CARMIL2 (capping protein regulator and myosin 1 linker 2; plus strand). Cytogenetic location: 16q22.1.
Variant type: single nucleotide variant.
Coding change: c.944G>A on transcript NM_001013838.3 (MANE Select); coding-DNA position 944, G replaced by A.
Protein change: p.Gly315Glu; replaces glycine 315 with glutamic acid.
Molecular consequence: missense variant.
Genome position (GRCh38, 1-based): chr16:67,647,752, G>A. VCF-style: chr16-67647752-G-A. GRCh37 (hg19) VCF-style: chr16-67681655-G-A.
Other names: c.944G>A, p.Gly315Glu (NM_001317026.3); short protein forms G315E.
Identifiers: ClinVar variation 2157962 (VCV002157962.3), dbSNP rs746620186, ClinGen allele CA8113279.